The following is an entry in ClinVar:

NM_001927.4(DES):c.679C>T (p.Arg227Cys)

Gene: DES (desmin; plus strand). Cytogenetic location: 2q35.
Variant type: single nucleotide variant.
Coding change: c.679C>T on transcript NM_001927.4 (MANE Select); coding-DNA position 679, C replaced by T.
Protein change: p.Arg227Cys; replaces arginine 227 with cysteine.
Molecular consequence: missense variant.
Genome position (GRCh38, 1-based): chr2:219,420,290, C>T. VCF-style: chr2-219420290-C-T. GRCh37 (hg19) VCF-style: chr2-220285012-C-T.
Other names: c.679C>T (LRG_380t1); short protein forms R227C.
Identifiers: ClinVar variation 411141 (VCV000411141.13), dbSNP rs767743962, ClinGen allele CA2125125.
Genomic context (GRCh38, chr2:219,420,290, plus strand): 5'-TTCTCGCTTGGCCTCTCCCAGGACGTGGATGCAGCTACTCTAGCTCGCATTGACCTGGAG[C>T]GCAGAATTGAATCTCTCAACGAGGAGATCGCGTTCCTTAAGAAAGTGCATGAAGAGGTAT-3'
Protein context (NP_001918.3, residues 217-237): AATLARIDLE[Arg227Cys]RIESLNEEIA

ClinVar aggregate classification (germline): Conflicting classifications of pathogenicity. Review status: criteria provided, conflicting classifications (1 of 4 stars). 5 submissions from 5 submitters: Likely pathogenic (1); Uncertain significance (3). 1 of the submissions does not count toward it. Last evaluated 2025-11-25.

Conditions:
Cardiovascular phenotype. Identifiers: MedGen CN230736.
Desmin-related myofibrillar myopathy (MFM1). Also called: Desminopathy; Desmin related myopathy (former name); Desmin storage myopathy (former name); MYOFIBRILLAR MYOPATHY WITH ARRHYTHMOGENIC RIGHT VENTRICULAR CARDIOMYOPATHY; DESMIN-RELATED MYOPATHY WITH ARRHYTHMOGENIC RIGHT VENTRICULAR CARDIOMYOPATHY; Myofibrillar myopathy 1. Identifiers: Orphanet 363543, Orphanet 98909, MedGen C1832370, MONDO:0011076, OMIM 601419.
Dilated cardiomyopathy 1I (CMD1I). Identifiers: Orphanet 154, MedGen C1858154, MONDO:0011482, OMIM 604765.
Neurogenic scapuloperoneal syndrome, Kaeser type (SCPNK). Also called: KAESER SYNDROME. Identifiers: Orphanet 85146, MedGen C1867005, MONDO:0008407, OMIM 181400.

Allele frequency attached by ClinVar (database versions not stated): gnomAD 0.00001; TOPMed 0.00001.

Submissions (5):

Ambry Genetics
Classification: Uncertain significance for Cardiovascular phenotype. Last evaluated: 2025-11-25. Review status: criteria provided, single submitter. Criteria: Ambry Variant Classification Scheme 2023. Collection method: clinical testing. Allele origin: germline.
Comment: The p.R227C variant (also known as c.679C>T), located in coding exon 3 of the DES gene, results from a C to T substitution at nucleotide position 679. The arginine at codon 227 is replaced by cysteine, an amino acid with highly dissimilar properties. This variant was identified in one or more individuals with features consistent with DES-related myopathy and segregated with disease in at least one family (Yu R et al. Cardiology, 2017 Feb;137:78-82; Ambry internal data). This variant was detected in a cardiomyopathy/arrhythmia genetic testing cohort; however, clinical details were limited, and additional cardiac variants were detected in some cases (van Lint FHM et al. Neth Heart J, 2019 Jun;27:304-309). This amino acid position is highly conserved in available vertebrate species. In addition, this alteration is predicted to be deleterious by in silico analysis. Based on the available evidence, the clinical significance of this variant remains unclear.

Labcorp Genetics (formerly Invitae), Labcorp
Classification: Likely pathogenic for Desmin-related myofibrillar myopathy. Last evaluated: 2025-02-04. Review status: criteria provided, single submitter. Criteria: Invitae Variant Classification Sherloc (09022015). Collection method: clinical testing. Allele origin: germline.
Comment: This sequence change replaces arginine, which is basic and polar, with cysteine, which is neutral and slightly polar, at codon 227 of the DES protein (p.Arg227Cys). This variant is present in population databases (rs767743962, gnomAD 0.003%). This missense change has been observed in individual(s) with autosomal dominant dilated cardiomyopathy (PMID: 28171858). It has also been observed to segregate with disease in related individuals. ClinVar contains an entry for this variant (Variation ID: 411141). Invitae Evidence Modeling of protein sequence and biophysical properties (such as structural, functional, and spatial information, amino acid conservation, physicochemical variation, residue mobility, and thermodynamic stability) indicates that this missense variant is expected to disrupt DES protein function with a positive predictive value of 95%. In summary, the currently available evidence indicates that the variant is pathogenic, but additional data are needed to prove that conclusively. Therefore, this variant has been classified as Likely Pathogenic.

GeneDx
Classification: Uncertain significance. Last evaluated: 2024-02-05. Review status: criteria provided, single submitter. Criteria: GeneDx Variant Classification Process June 2021. Collection method: clinical testing. Allele origin: germline. Affected: yes.
Comment: Identified in a family with dilated cardiomyopathy in the literature, although additional variants in other cardiomyopathy genes were found in this family and detailed familial segregation data was not provided (PMID: 28171858); Not observed at significant frequency in large population cohorts (gnomAD); In silico analysis supports that this missense variant has a deleterious effect on protein structure/function; This variant is associated with the following publications: (PMID: 33823640, 26807690, 28171858)

3billion
Classification: Uncertain significance for Neurogenic scapuloperoneal syndrome, Kaeser type. Last evaluated: 2022-01-03. Review status: criteria provided, single submitter. Criteria: ACMG Guidelines, 2015. Collection method: clinical testing. Allele origin: germline. Affected: yes. Observed: 1 heterozygote.
Comment: The variant is observed at an extremely low frequency in the gnomAD v2.1.1 dataset (total allele frequency: 0.000008, PM2_M). In silico tool predictions suggest damaging effect of the variant on gene or gene product (REVEL: 0.734, PP3_P). A missense variant is a common mechanism associated with Scapuloperoneal syndrome (PP2_P). Therefore, this variant is classified as uncertain significance according to the recommendation of ACMG/AMP guideline.

Clinical Genetics Laboratory, University Hospital Schleswig-Holstein
Classification: Uncertain significance for Dilated cardiomyopathy 1I. Last evaluated: 2024-03-13. Review status: no assertion criteria provided. Collection method: clinical testing. Allele origin: germline. Affected: yes. Not counted in ClinVar's aggregate classification.

Literature cited by the submitters: PubMed 28171858 (cited by Ambry Genetics and Labcorp Genetics (formerly Invitae), Labcorp); PubMed 30847666 (cited by Ambry Genetics).